The following is an entry in ClinVar:

ClinVar aggregate classification (germline): Conflicting classifications of pathogenicity. Review status: criteria provided, conflicting classifications (1 of 4 stars). 2 submissions from 2 submitters: Likely pathogenic (1); Uncertain significance (1). Last evaluated 2026-01-19.

Conditions:
Mucopolysaccharidosis type 1. Also called: IDUA deficiency; MPS I; Mucopolysaccharidosis Type I. Identifiers: Orphanet 579, MedGen C0023786, MONDO:0001586.

gnomAD v4.1: 8 of 1,613,132 alleles (0.0005%); highest among the groups gnomAD compares: East Asian, 0.0022%; no homozygotes.

Submissions (2):

Labcorp Genetics (formerly Invitae), Labcorp
Classification: Likely pathogenic for Mucopolysaccharidosis type 1. Last evaluated: 2026-01-19. Review status: criteria provided, single submitter. Criteria: Invitae Variant Classification Sherloc (09022015). Collection method: clinical testing. Allele origin: germline.
Comment: This sequence change replaces glutamic acid, which is acidic and polar, with glutamine, which is neutral and polar, at codon 178 of the IDUA protein (p.Glu178Gln). This variant is not present in population databases (gnomAD no frequency). This variant has not been reported in the literature in individuals affected with IDUA-related conditions. ClinVar contains an entry for this variant (Variation ID: 2141346). Invitae Evidence Modeling of protein sequence and biophysical properties (such as structural, functional, and spatial information, amino acid conservation, physicochemical variation, residue mobility, and thermodynamic stability) indicates that this missense variant is expected to disrupt IDUA protein function with a positive predictive value of 95%. This variant disrupts the p.Glu178 amino acid residue in IDUA. Other variant(s) that disrupt this residue have been determined to be pathogenic (PMID: 12203999, 21394825, 27196898, 31194252). This suggests that this residue is clinically significant, and that variants that disrupt this residue are likely to be disease-causing. In summary, the currently available evidence indicates that the variant is pathogenic, but additional data are needed to prove that conclusively. Therefore, this variant has been classified as Likely Pathogenic.

Revvity Omics, Revvity
Classification: Uncertain significance. Last evaluated: 2024-01-15. Review status: criteria provided, single submitter. Criteria: ACMG Guidelines, 2015. Collection method: clinical testing. Allele origin: germline.

Literature cited by the submitters: PubMed 12203999 (cited by Labcorp Genetics (formerly Invitae), Labcorp); PubMed 21394825 (cited by Labcorp Genetics (formerly Invitae), Labcorp); PubMed 27196898 (cited by Labcorp Genetics (formerly Invitae), Labcorp); PubMed 31194252 (cited by Labcorp Genetics (formerly Invitae), Labcorp).

NM_000203.5(IDUA):c.532G>C (p.Glu178Gln)

Gene: IDUA (alpha-L-iduronidase; plus strand). Cytogenetic location: 4p16.3.
Variant type: single nucleotide variant.
Coding change: c.532G>C on transcript NM_000203.5 (MANE Select); coding-DNA position 532, G replaced by C.
Protein change: p.Glu178Gln; replaces glutamic acid 178 with glutamine.
Molecular consequence: missense variant. On other transcripts: non-coding transcript variant (1).
Genome position (GRCh38, 1-based): chr4:1,001,506, G>C. VCF-style: chr4-1001506-G-C. GRCh37 (hg19) VCF-style: chr4-995294-G-C.
Other names: c.136G>C, p.Glu46Gln (NM_001363576.1); short protein forms E178Q, E46Q.
Identifiers: ClinVar variation 2141346 (VCV002141346.5), dbSNP rs992336192, ClinGen allele CA91167206.
Genomic context (GRCh38, chr4:1,001,506, plus strand): 5'-GGACAGCAAGGCTCCTCTGCAGGTAGGTACGGACTGGCGCATGTTTCCAAGTGGAACTTC[G>C]AGACGTGGAATGAGCCAGACCACCACGACTTTGACAACGTCTCCATGACCATGCAAGGTG-3'
Protein context (NP_000194.2, residues 168-188): GLAHVSKWNF[Glu178Gln]TWNEPDHHDF